The following is an entry in ClinVar:

NM_020975.6(RET):c.2068T>G (p.Ser690Ala)

Gene: RET (ret proto-oncogene; plus strand). Cytogenetic location: 10q11.21.
Variant type: single nucleotide variant.
Coding change: c.2068T>G on transcript NM_020975.6 (MANE Select); coding-DNA position 2068, T replaced by G.
Protein change: p.Ser690Ala; replaces serine 690 with alanine.
Molecular consequence: missense variant.
Genome position (GRCh38, 1-based): chr10:43,114,668, T>G. VCF-style: chr10-43114668-T-G. GRCh37 (hg19) VCF-style: chr10-43610116-T-G.
Other names: c.2068T>G, p.Ser690Ala (NM_000323.2, NM_001406743.1, NM_001406744.1 and 4 more transcripts); c.1306T>G, p.Ser436Ala (NM_001355216.2); c.1939T>G, p.Ser647Ala (NM_001406761.1, NM_001406762.1, NM_001406764.1); c.1933T>G, p.Ser645Ala (NM_001406763.1, NM_001406765.1); c.1780T>G, p.Ser594Ala (NM_001406766.1, NM_001406767.1, NM_001406770.1); c.1804T>G, p.Ser602Ala (NM_001406768.1); c.1672T>G, p.Ser558Ala (NM_001406769.1, NM_001406772.1); c.1630T>G, p.Ser544Ala (NM_001406771.1, NM_001406773.1); and 10 more; short protein forms S690A, S436A, S207A, S391A, S645A, S558A, S602A, S295A.
Identifiers: ClinVar variation 1046889 (VCV001046889.10), dbSNP rs1838028995, ClinGen allele CA376553247.

ClinVar aggregate classification (germline): Uncertain significance (1 of 4 stars; one submission).

Conditions:
Multiple endocrine neoplasia, type 2 (MEN2). Identifiers: Orphanet 653, MedGen C4048306, MONDO:0019003. Disease mechanism: gain of function.

Submission:

Labcorp Genetics (formerly Invitae), Labcorp
Classification: Uncertain significance for Multiple endocrine neoplasia, type 2. Last evaluated: 2020-03-14. Review status: criteria provided, single submitter. Criteria: Invitae Variant Classification Sherloc (09022015). Collection method: clinical testing. Allele origin: germline.
Comment: In summary, the available evidence is currently insufficient to determine the role of this variant in disease. Therefore, it has been classified as a Variant of Uncertain Significance. Algorithms developed to predict the effect of missense changes on protein structure and function output the following: SIFT: "Tolerated"; PolyPhen-2: "Benign"; Align-GVGD: "Class C0". The alanine amino acid residue is found in multiple mammalian species, suggesting that this missense change does not adversely affect protein function. These predictions have not been confirmed by published functional studies and their clinical significance is uncertain. This variant has not been reported in the literature in individuals with RET-related conditions. This variant is not present in population databases (ExAC no frequency). This sequence change replaces serine with alanine at codon 690 of the RET protein (p.Ser690Ala). The serine residue is weakly conserved and there is a moderate physicochemical difference between serine and alanine.